The following is an entry in ClinVar:

ClinVar aggregate classification (germline): Likely pathogenic (1 of 4 stars; one submission).

Conditions:
Autosomal recessive nonsyndromic hearing loss 3. Also called: NEUROSENSORY NONSYNDROMIC RECESSIVE DEAFNESS 3. Identifiers: Orphanet 90636, MedGen C1838263, MONDO:0010860, OMIM 600316.

Submission:

Institute of Rare Diseases, West China Hospital, Sichuan University
Classification: Likely pathogenic for Autosomal recessive nonsyndromic hearing loss 3. Last evaluated: 2025-01-09. Review status: criteria provided, single submitter. Criteria: ClinGen HL ACMG Specifications v1. Collection method: research. Allele origin: germline. Affected: yes.
Comment: PVS1;PM2_Supporting

NM_016239.4(MYO15A):c.9342C>A (p.Tyr3114Ter)

Gene: MYO15A (myosin XVA; plus strand). Cytogenetic location: 17p11.2.
Variant type: single nucleotide variant.
Coding change: c.9342C>A on transcript NM_016239.4 (MANE Select); coding-DNA position 9342, C replaced by A.
Protein change: p.Tyr3114Ter; replaces tyrosine 3114 with a stop codon.
Molecular consequence: nonsense.
Genome position (GRCh38, 1-based): chr17:18,159,973, C>A. VCF-style: chr17-18159973-C-A. GRCh37 (hg19) VCF-style: chr17-18063287-C-A.
Other names: short protein forms Y3114*.
Identifiers: ClinVar variation 3601292 (VCV003601292.1).
Genomic context (GRCh38, chr17:18,159,973, plus strand): 5'-TAACCTCCCTGCCCCCCTTCAGCTGTGCGGGGACCATGAGGTCATGCGGGATGAATGTTA[C>A]TGCCAAGTTGTGAAGCAGATCACAGACAATACCAGCTCCAAGCAGTGAGTGAACTGGACT-3'